The following is an entry in ClinVar:

ClinVar aggregate classification (germline): Uncertain significance. Review status: criteria provided, multiple submitters, no conflicts (2 of 4 stars). 4 submissions from 4 submitters: Uncertain significance (2). 2 of the submissions do not count toward it. Last evaluated 2025-01-06.

Allele frequency attached by ClinVar (database versions not stated): TOPMed 0.00016.
gnomAD v4.1: 211 of 1,614,088 alleles (0.013%); highest among the groups gnomAD compares: East Asian, 0.036%; no homozygotes.

Submissions (4):

Labcorp Genetics (formerly Invitae), Labcorp
Classification: Uncertain significance. Last evaluated: 2025-01-06. Review status: criteria provided, single submitter. Criteria: Invitae Variant Classification Sherloc (09022015). Collection method: clinical testing. Allele origin: germline.
Comment: This sequence change replaces serine, which is neutral and polar, with leucine, which is neutral and non-polar, at codon 685 of the GRM6 protein (p.Ser685Leu). This variant is present in population databases (rs144657366, gnomAD 0.04%). This variant has not been reported in the literature in individuals affected with GRM6-related conditions. ClinVar contains an entry for this variant (Variation ID: 966363). Invitae Evidence Modeling of protein sequence and biophysical properties (such as structural, functional, and spatial information, amino acid conservation, physicochemical variation, residue mobility, and thermodynamic stability) indicates that this missense variant is not expected to disrupt GRM6 protein function with a negative predictive value of 95%. In summary, the available evidence is currently insufficient to determine the role of this variant in disease. Therefore, it has been classified as a Variant of Uncertain Significance.

Blueprint Genetics
Classification: Uncertain significance. Last evaluated: 2024-08-21. Review status: criteria provided, single submitter. Criteria: ACMG Guidelines, 2015. Collection method: clinical testing. Allele origin: germline.

Clinical Genetics DNA and cytogenetics Diagnostics Lab, Erasmus MC, Erasmus Medical Center
Classification: Uncertain significance. Review status: no assertion criteria provided. Collection method: clinical testing. Allele origin: germline. Affected: yes. Study: VKGL Data-share Consensus. Not counted in ClinVar's aggregate classification.

Clinical Genetics, Academic Medical Center
Classification: Uncertain significance. Review status: no assertion criteria provided. Collection method: clinical testing. Allele origin: germline. Affected: yes. Study: VKGL Data-share Consensus. Not counted in ClinVar's aggregate classification.

NM_000843.4(GRM6):c.2054C>T (p.Ser685Leu)

Genes: GRM6 (glutamate metabotropic receptor 6; minus strand), ZNF454 (zinc finger protein 454; plus strand). Cytogenetic location: 5q35.3.
Variant type: single nucleotide variant.
Coding change: c.2054C>T on transcript NM_000843.4 (MANE Select); coding-DNA position 2054, C replaced by T.
Protein change: p.Ser685Leu; replaces serine 685 with leucine.
Molecular consequence: missense variant.
Genome position (GRCh38, 1-based): chr5:178,986,200, G>A on the plus strand (C>T on the coding strand, the complement: GRM6 is on the minus strand). VCF-style: chr5-178986200-G-A. GRCh37 (hg19) VCF-style: chr5-178413201-G-A.
Other names: short protein forms S685L.
Identifiers: ClinVar variation 966363 (VCV000966363.11), dbSNP rs144657366, ClinGen allele CA3593846.